The following is an entry in ClinVar:

NM_000260.4(MYO7A):c.2006G>A (p.Arg669Gln)

Gene: MYO7A (myosin VIIA; plus strand). Cytogenetic location: 11q13.5.
Variant type: single nucleotide variant.
Coding change: c.2006G>A on transcript NM_000260.4 (MANE Select); coding-DNA position 2006, G replaced by A.
Protein change: p.Arg669Gln; replaces arginine 669 with glutamine.
Molecular consequence: missense variant.
Genome position (GRCh38, 1-based): chr11:77,174,826, G>A. VCF-style: chr11-77174826-G-A. GRCh37 (hg19) VCF-style: chr11-76885872-G-A.
Other names: c.2006G>A, p.Arg669Gln (NM_001127180.2); c.1973G>A, p.Arg658Gln (NM_001369365.1); short protein forms R669Q, R658Q.
Identifiers: ClinVar variation 229001 (VCV000229001.27), dbSNP rs201178011, ClinGen allele CA6197663.

ClinVar aggregate classification (germline): Conflicting classifications of pathogenicity. Review status: criteria provided, conflicting classifications (1 of 4 stars). 8 submissions from 8 submitters: Uncertain significance (5); Likely benign (1). 2 of the submissions do not count toward it. Last evaluated 2025-11-19.

Conditions:
Autosomal recessive nonsyndromic hearing loss 2. Also called: NEUROSENSORY NONSYNDROMIC RECESSIVE DEAFNESS 2; DEAFNESS, AUTOSOMAL RECESSIVE 2. Identifiers: Orphanet 90636, MedGen C1838701, MONDO:0010807, OMIM 600060.
Usher syndrome type 1 (USH1). Also called: RETINITIS PIGMENTOSA AND CONGENITAL DEAFNESS. Identifiers: Orphanet 231169, Orphanet 886, MedGen C1568247, MONDO:0010168, OMIM 276900.
Inborn genetic diseases. Identifiers: MedGen C0950123, MeSH D030342.
Usher syndrome type 1B (USH1B). Also called: Usher syndrome type IB. Identifiers: MedGen C1848638, MONDO:0700087.

Allele frequency attached by ClinVar (database versions not stated): gnomAD exomes 0.00002 and 0.00009; gnomAD 0.00004 and 0.00005; TOPMed 0.00005; ExAC 0.00009.

Submissions (8):

GeneDx
Classification: Uncertain significance. Last evaluated: 2025-11-19. Review status: criteria provided, single submitter. Criteria: GeneDx Variant Classification Process June 2021. Collection method: clinical testing. Allele origin: germline. Affected: yes.
Comment: In silico analysis suggests that this missense variant does not alter protein structure/function; Has not been previously published as pathogenic or benign to our knowledge

Labcorp Genetics (formerly Invitae), Labcorp
Classification: Likely benign. Last evaluated: 2024-07-02. Review status: criteria provided, single submitter. Criteria: Invitae Variant Classification Sherloc (09022015). Collection method: clinical testing. Allele origin: germline.

Ambry Genetics
Classification: Uncertain significance for Inborn genetic diseases. Last evaluated: 2021-08-12. Review status: criteria provided, single submitter. Criteria: Ambry Variant Classification Scheme 2023. Collection method: clinical testing. Allele origin: germline.

Blueprint Genetics
Classification: Uncertain significance. Last evaluated: 2020-11-27. Review status: criteria provided, single submitter. Criteria: ACMG Guidelines, 2015. Collection method: clinical testing. Allele origin: germline.

Eurofins Ntd Llc (ga)
Classification: Uncertain significance. Last evaluated: 2016-12-08. Review status: criteria provided, single submitter. Criteria: EGL Classification Definitions 2015. Collection method: clinical testing. Allele origin: germline. Observed: 1 variant allele, 1 heterozygote.

Laboratory for Molecular Medicine, Mass General Brigham Personalized Medicine
Classification: Uncertain significance. Last evaluated: 2015-12-08. Review status: criteria provided, single submitter. Criteria: LMM Criteria. Collection method: clinical testing. Allele origin: germline. Observed: 1 variant allele.
Comment: The p.Arg669Gln variant in MYO7A has not been previously reported in individuals with hearing loss or Usher syndrome. This variant has been identified in 6/104 66 Latino chromosomes by the Exome Aggregation Consortium (ExAC; dbSNP rs201178011). Computational prediction tools and conserva tion analysis do not provide strong support for or against an impact to the prot ein. In summary, the clinical significance of the p.Arg669Gln variant is uncerta in.

Natera, Inc.
Classification: Uncertain significance for Usher syndrome type 1B. Last evaluated: 2020-02-26. Review status: no assertion criteria provided. Collection method: clinical testing. Allele origin: germline. Not counted in ClinVar's aggregate classification.

Counsyl
Classification: Uncertain significance for Usher syndrome type 1; Autosomal recessive nonsyndromic hearing loss 2. Last evaluated: 2017-02-21. Review status: no assertion criteria provided. Collection method: clinical testing. Allele origin: unknown. Not counted in ClinVar's aggregate classification.